The following is an entry in ClinVar:

ClinVar aggregate classification (germline): Uncertain significance (1 of 4 stars; one submission).

Conditions:
Hereditary breast ovarian cancer syndrome. Also called: Hereditary breast and ovarian cancer syndrome; Hereditary breast and/or ovarian cancer syndrome; BRCA1- and BRCA2-Associated Hereditary Breast and Ovarian Cancer; Hereditary breast and ovarian cancer syndrome (HBOC); Hereditary breast and ovarian cancer; Breast and ovarian cancer. Identifiers: Orphanet 145, MedGen C0677776, MeSH D061325, MONDO:0003582. Disease mechanism: loss of function.

Submission:

Labcorp Genetics (formerly Invitae), Labcorp
Classification: Uncertain significance for Hereditary breast ovarian cancer syndrome. Last evaluated: 2023-05-19. Review status: criteria provided, single submitter. Criteria: Invitae Variant Classification Sherloc (09022015). Collection method: clinical testing. Allele origin: germline.
Comment: In summary, the available evidence is currently insufficient to determine the role of this variant in disease. Therefore, it has been classified as a Variant of Uncertain Significance. This variant has not been reported in the literature in individuals affected with BRCA2-related conditions. This variant is not present in population databases (gnomAD no frequency). This variant occurs in a non-coding region of the BRCA2 gene. It does not change the encoded amino acid sequence of the BRCA2 protein.

NM_000059.4(BRCA2):c.-59G>C

Genes: BRCA2 (BRCA2 DNA repair associated; plus strand), LOC106721785 (BRCA2 promoter/silencer region; plus strand). Cytogenetic location: 13q13.1.
Variant type: single nucleotide variant.
Coding change: c.-59G>C on transcript NM_000059.4 (MANE Select); 59 bases upstream of the start codon, G replaced by C.
Molecular consequence: 5 prime UTR variant. On other transcripts: non-coding transcript variant (1).
Genome position (GRCh38, 1-based): chr13:32,315,648, G>C. VCF-style: chr13-32315648-G-C. GRCh37 (hg19) VCF-style: chr13-32889785-G-C.
Other names: c.-59G>C (NM_001406719.1, NM_001406720.1, NM_001406721.1); c.-322G>C (NM_001406722.1).
Identifiers: ClinVar variation 2865755 (VCV002865755.3), dbSNP rs2548508844, ClinGen allele CA2739277491.